The following is an entry in ClinVar:

NM_014141.6(CNTNAP2):c.55A>G (p.Ser19Gly)

Gene: CNTNAP2 (contactin associated protein 2; plus strand). Cytogenetic location: 7q35.
Variant type: single nucleotide variant.
Coding change: c.55A>G on transcript NM_014141.6 (MANE Select); coding-DNA position 55, A replaced by G.
Protein change: p.Ser19Gly; replaces serine 19 with glycine.
Molecular consequence: missense variant.
Genome position (GRCh38, 1-based): chr7:146,116,931, A>G. VCF-style: chr7-146116931-A-G. GRCh37 (hg19) VCF-style: chr7-145814023-A-G.
Other names: short protein forms S19G.
Identifiers: ClinVar variation 1033666 (VCV001033666.1), dbSNP rs1797492098, ClinGen allele CA369922081.
Genomic context (GRCh38, chr7:146,116,931, plus strand): 5'-CGAAGGATGCAGGCGGCTCCGCGCGCCGGCTGCGGGGCAGCGCTCCTGCTGTGGATTGTC[A>G]GCAGCTGCCTCTGCAGAGCCTGGACGGCTCCCTCCACGTCCCGTAAGTAGCCGTCTCCTC-3'
Protein context (NP_054860.1, residues 9-29): CGAALLLWIV[Ser19Gly]SCLCRAWTAP

ClinVar aggregate classification (germline): Uncertain significance (1 of 4 stars; one submission).

Conditions:
Cortical dysplasia-focal epilepsy syndrome (PTHSL1). Also called: Pitt-Hopkins-like syndrome 1. Identifiers: Orphanet 163681, Orphanet 221150, MedGen C2750246, MONDO:0012400, OMIM 610042.

gnomAD v4.1: 1 of 1,552,590 alleles (0.000064%); highest among the groups gnomAD compares: African/African-American, 0.0014%; no homozygotes.

Submission:

Baylor Genetics
Classification: Uncertain significance for Cortical dysplasia-focal epilepsy syndrome. Last evaluated: 2018-04-17. Review status: criteria provided, single submitter. Criteria: ACMG Guidelines, 2015. Collection method: clinical testing. Allele origin: paternal. Affected: yes.
Comment: This variant was determined to be of uncertain significance according to ACMG Guidelines, 2015 [PMID:25741868].